The following is an entry in ClinVar:

NM_016580.4(PCDH12):c.2942G>A (p.Arg981Gln)

Genes: PCDH12 (protocadherin 12; minus strand), RNF14 (ring finger protein 14; plus strand). Cytogenetic location: 5q31.3.
Variant type: single nucleotide variant.
Coding change: c.2942G>A on transcript NM_016580.4 (MANE Select); coding-DNA position 2942, G replaced by A.
Protein change: p.Arg981Gln; replaces arginine 981 with glutamine.
Molecular consequence: missense variant.
Genome position (GRCh38, 1-based): chr5:141,951,529, C>T on the plus strand (G>A on the coding strand, the complement: PCDH12 is on the minus strand). VCF-style: chr5-141951529-C-T. GRCh37 (hg19) VCF-style: chr5-141331094-C-T.
Other names: c.2942G>A (NM_016580.2); short protein forms R981Q.
Identifiers: ClinVar variation 2170454 (VCV002170454.5), dbSNP rs746075397, ClinGen allele CA3484095.

ClinVar aggregate classification (germline): Uncertain significance. Review status: criteria provided, multiple submitters, no conflicts (2 of 4 stars). 2 submissions from 2 submitters: Uncertain significance (2). Last evaluated 2024-11-10.

Conditions:
Inborn genetic diseases. Identifiers: MedGen C0950123, MeSH D030342.

Allele frequency attached by ClinVar (database versions not stated): ExAC 0.00002; TOPMed 0.00003; gnomAD 0.00004.
gnomAD v4.1: 53 of 1,614,070 alleles (0.0033%); highest among the groups gnomAD compares: Middle Eastern, 0.033%; no homozygotes.

Submissions (2):

Ambry Genetics
Classification: Uncertain significance for Inborn genetic diseases. Last evaluated: 2024-11-10. Review status: criteria provided, single submitter. Criteria: Ambry Variant Classification Scheme 2023. Collection method: clinical testing. Allele origin: germline.

Labcorp Genetics (formerly Invitae), Labcorp
Classification: Uncertain significance. Last evaluated: 2022-05-12. Review status: criteria provided, single submitter. Criteria: Invitae Variant Classification Sherloc (09022015). Collection method: clinical testing. Allele origin: germline.
Comment: This sequence change replaces arginine, which is basic and polar, with glutamine, which is neutral and polar, at codon 981 of the PCDH12 protein (p.Arg981Gln). This variant is present in population databases (rs746075397, gnomAD 0.01%). This variant has not been reported in the literature in individuals affected with PCDH12-related conditions. Advanced modeling of protein sequence and biophysical properties (such as structural, functional, and spatial information, amino acid conservation, physicochemical variation, residue mobility, and thermodynamic stability) performed at Invitae indicates that this missense variant is not expected to disrupt PCDH12 protein function. In summary, the available evidence is currently insufficient to determine the role of this variant in disease. Therefore, it has been classified as a Variant of Uncertain Significance.